The following is an entry in ClinVar:

ClinVar aggregate classification (germline): Uncertain significance (1 of 4 stars; one submission).

Conditions:
Muscular dystrophy, limb-girdle, autosomal recessive 23. Identifiers: Orphanet 565837, MedGen C4748327, MONDO:0029136, OMIM 618138.

Submission:

Baylor Genetics
Classification: Uncertain significance for Muscular dystrophy, limb-girdle, autosomal recessive 23. Last evaluated: 2020-06-03. Review status: criteria provided, single submitter. Criteria: ACMG Guidelines, 2015. Collection method: clinical testing. Allele origin: unknown. Affected: yes.
Comment: This variant was determined to be of uncertain significance according to ACMG Guidelines, 2015 [PMID:25741868].

NM_000426.4(LAMA2):c.7753T>C (p.Tyr2585His)

Gene: LAMA2 (laminin subunit alpha 2; plus strand). Cytogenetic location: 6q22.33.
Variant type: single nucleotide variant.
Coding change: c.7753T>C on transcript NM_000426.4 (MANE Select); coding-DNA position 7753, T replaced by C.
Protein change: p.Tyr2585His; replaces tyrosine 2585 with histidine.
Molecular consequence: missense variant.
Genome position (GRCh38, 1-based): chr6:129,486,477, T>C. VCF-style: chr6-129486477-T-C. GRCh37 (hg19) VCF-style: chr6-129807622-T-C.
Other names: c.7741T>C, p.Tyr2581His (NM_001079823.2); short protein forms Y2585H, Y2581H.
Identifiers: ClinVar variation 1028255 (VCV001028255.1), dbSNP rs1784589986, ClinGen allele CA365628967.